The following is an entry in ClinVar:

NM_004415.4(DSP):c.2260G>A (p.Glu754Lys)

Gene: DSP (desmoplakin; plus strand). Cytogenetic location: 6p24.3.
Variant type: single nucleotide variant.
Coding change: c.2260G>A on transcript NM_004415.4 (MANE Select); coding-DNA position 2260, G replaced by A.
Protein change: p.Glu754Lys; replaces glutamic acid 754 with lysine.
Molecular consequence: missense variant.
Genome position (GRCh38, 1-based): chr6:7,574,215, G>A. VCF-style: chr6-7574215-G-A. GRCh37 (hg19) VCF-style: chr6-7574448-G-A.
Other names: c.2260G>A (LRG_423t1); c.2260G>A, p.Glu754Lys (NM_001008844.3, NM_001319034.2); short protein forms E754K.
Identifiers: ClinVar variation 180323 (VCV000180323.22), dbSNP rs730880080, ClinGen allele CA005315.

ClinVar aggregate classification (germline): Conflicting classifications of pathogenicity. Review status: criteria provided, conflicting classifications (1 of 4 stars). 6 submissions from 6 submitters: Uncertain significance (5); Likely benign (1). Last evaluated 2026-06-03.

Conditions:
Cardiovascular phenotype. Identifiers: MedGen CN230736.
Cardiomyopathy (CMYO). Also called: Cardiomyopathies. Identifiers: Orphanet 167848, MedGen C0878544, MONDO:0004994, HP:0001638. Inheritance: Various modes of inheritance.
Arrhythmogenic right ventricular dysplasia 8 (ARVD8). Also called: ARRHYTHMOGENIC RIGHT VENTRICULAR DYSPLASIA, FAMILIAL, 8; ARRHYTHMOGENIC RIGHT VENTRICULAR CARDIOMYOPATHY 8; Arrhythmogenic Right Ventricular Dysplasia/Cardiomyopathy 8. Identifiers: MedGen C1843896, MONDO:0011831, OMIM 607450.
Arrhythmogenic cardiomyopathy with wooly hair and keratoderma. Also called: PALMOPLANTAR KERATODERMA WITH LEFT VENTRICULAR CARDIOMYOPATHY AND WOOLLY HAIR; Dilated cardiomyopathy with woolly hair and keratoderma; Arrhythmogenic cardiomyopathy with woolly hair and keratoderma; Carvajal syndrome. Identifiers: Orphanet 65282, MedGen C1854063, MONDO:0011581, OMIM 605676.

Allele frequency attached by ClinVar (database versions not stated): gnomAD 0.00001; gnomAD exomes 0.00001; TOPMed 0.00001; ExAC 0.00002.

Submissions (6):

Ambry Genetics
Classification: Uncertain significance for Cardiovascular phenotype. Last evaluated: 2026-06-03. Review status: criteria provided, single submitter. Criteria: Ambry Variant Classification Scheme 2023. Collection method: clinical testing. Allele origin: germline.

Dasa
Classification: Uncertain significance. Last evaluated: 2025-10-18. Review status: criteria provided, single submitter. Criteria: DASA Assertion Criteria. Collection method: clinical testing. Allele origin: germline.
Comment: NM_004415.4(DSP):c.2260G>A (p.Glu754Lys) is a missense variant that results in the substitution of glutamic acid with lysine. This variant is rare in population databases. The currently available literature and clinical evidence are not sufficient to establish a definitive association between this variant and the reported condition. Therefore, this variant is classified as a variant of uncertain significance.

Labcorp Genetics (formerly Invitae), Labcorp
Classification: Likely benign for Arrhythmogenic cardiomyopathy with wooly hair and keratoderma; Arrhythmogenic right ventricular dysplasia 8. Last evaluated: 2025-06-18. Review status: criteria provided, single submitter. Criteria: Invitae Variant Classification Sherloc (09022015). Collection method: clinical testing. Allele origin: germline.

All of Us Research Program, National Institutes of Health
Classification: Uncertain significance for Arrhythmogenic cardiomyopathy with wooly hair and keratoderma. Last evaluated: 2024-05-14. Review status: criteria provided, single submitter. Criteria: ACMG Guidelines, 2015. Collection method: clinical testing. Allele origin: germline. Inheritance: Autosomal dominant inheritance. Observed: 4 variant alleles, 4 heterozygotes.
Comment: This missense variant replaces glutamic acid with lysine at codon 754 of the DSP protein. Computational prediction is inconclusive regarding the impact of this variant on protein structure and function (internally defined REVEL score threshold 0.5 < inconclusive < 0.7, PMID: 27666373). To our knowledge, functional studies have not been reported for this variant. This variant has not been reported in individuals affected with cardiovascular disorders in the literature. This variant has been identified in 4/282654 chromosomes in the general population by the Genome Aggregation Database (gnomAD). The available evidence is insufficient to determine the role of this variant in disease conclusively. Therefore, this variant is classified as a Variant of Uncertain Significance.

This study involves interpretation of variants in research participants for the purpose of population health screening. Participant phenotype was not available at the time of variant classification. Additional details can be found in publication PMID: 35346344, PMCID: PMC8962531

Color Diagnostics, LLC DBA Color Health
Classification: Uncertain significance for Cardiomyopathy. Last evaluated: 2023-12-05. Review status: criteria provided, single submitter. Criteria: ACMG Guidelines, 2015. Collection method: clinical testing. Allele origin: germline.
Comment: This missense variant replaces glutamic acid with lysine at codon 754 of the DSP protein. Computational prediction is inconclusive regarding the impact of this variant on protein structure and function (internally defined REVEL score threshold 0.5 < inconclusive < 0.7, PMID: 27666373). To our knowledge, functional studies have not been reported for this variant. This variant has not been reported in individuals affected with cardiovascular disorders in the literature. This variant has been identified in 4/282654 chromosomes in the general population by the Genome Aggregation Database (gnomAD). The available evidence is insufficient to determine the role of this variant in disease conclusively. Therefore, this variant is classified as a Variant of Uncertain Significance.

Blueprint Genetics
Classification: Uncertain significance. Last evaluated: 2021-07-06. Review status: criteria provided, single submitter. Criteria: ACMG Guidelines, 2015. Collection method: clinical testing. Allele origin: germline.